The following is an entry in ClinVar:

NM_012471.3(TRPC5):c.186C>T (p.Asn62=)

Gene: TRPC5 (transient receptor potential cation channel subfamily C member 5; minus strand). Cytogenetic location: Xq23.
Variant type: single nucleotide variant.
Coding change: c.186C>T on transcript NM_012471.3 (MANE Select); coding-DNA position 186, C replaced by T.
Protein change: p.Asn62=; no amino-acid change (asparagine 62 retained).
Molecular consequence: synonymous variant.
Genome position (GRCh38, 1-based): chrX:111,952,235, G>A on the plus strand (C>T on the coding strand, the complement: TRPC5 is on the minus strand). VCF-style: chrX-111952235-G-A. GRCh37 (hg19) VCF-style: chrX-111195463-G-A.
Identifiers: ClinVar variation 3054050 (VCV003054050.2), dbSNP rs762529573, ClinGen allele CA10494448.

ClinVar aggregate classification (germline): Likely benign (0 of 4 stars; one submission).

Conditions:
TRPC5-related disorder. Also called: TRPC5-related condition.

Allele frequency attached by ClinVar (database versions not stated): ExAC 0.00001; gnomAD 0.00001; gnomAD exomes 0.00003; TOPMed 0.00003.
gnomAD v4.1: 33 of 1,210,437 alleles (0.0027%); highest among the groups gnomAD compares: Middle Eastern, 0.37%; no homozygotes.

Submission:

PreventionGenetics, part of Exact Sciences
Classification: Likely benign for TRPC5-related condition. Last evaluated: 2023-11-10. Review status: no assertion criteria provided. Collection method: clinical testing. Allele origin: germline.
Comment: This variant is classified as likely benign based on ACMG/AMP sequence variant interpretation guidelines (Richards et al. 2015 PMID: 25741868, with internal and published modifications).